The following is an entry in ClinVar:

NM_000258.3(MYL3):c.568A>G (p.Lys190Glu)

Gene: MYL3 (myosin light chain 3; minus strand). Cytogenetic location: 3p21.31.
Variant type: single nucleotide variant.
Coding change: c.568A>G on transcript NM_000258.3 (MANE Select); coding-DNA position 568, A replaced by G.
Protein change: p.Lys190Glu; replaces lysine 190 with glutamic acid.
Molecular consequence: missense variant.
Genome position (GRCh38, 1-based): chr3:46,858,264, T>C on the plus strand (A>G on the coding strand, the complement: MYL3 is on the minus strand). VCF-style: chr3-46858264-T-C. GRCh37 (hg19) VCF-style: chr3-46899754-T-C.
Other names: short protein forms K190E.
Identifiers: ClinVar variation 1311228 (VCV001311228.8), dbSNP rs1701953031, ClinGen allele CA352495124.

ClinVar aggregate classification (germline): Uncertain significance. Review status: criteria provided, multiple submitters, no conflicts (2 of 4 stars). 4 submissions from 4 submitters: Uncertain significance (4). Last evaluated 2023-10-23.

Conditions:
Hypertrophic cardiomyopathy. Also called: HYPERTROPHIC MYOCARDIOPATHY. Identifiers: Orphanet 217569, MedGen C0007194, MeSH D002312, MONDO:0005045, HP:0001639.
Cardiomyopathy (CMYO). Also called: Cardiomyopathies. Identifiers: Orphanet 167848, MedGen C0878544, MONDO:0004994, HP:0001638. Inheritance: Various modes of inheritance.

Allele frequency attached by ClinVar (database versions not stated): gnomAD exomes below 0.00001.
gnomAD v4.1: 1 of 1,614,086 alleles (0.000062%); highest among the groups gnomAD compares: Non-Finnish European, 0.000085%; no homozygotes.

Submissions (4):

All of Us Research Program, National Institutes of Health
Classification: Uncertain significance for Hypertrophic cardiomyopathy. Last evaluated: 2023-10-23. Review status: criteria provided, single submitter. Criteria: ACMG Guidelines, 2015. Collection method: clinical testing. Allele origin: germline. Inheritance: Autosomal dominant inheritance. Observed: 1 variant allele, 1 heterozygote.
Comment: This missense variant replaces lysine with glutamic acid at codon 190 of the MYL3 protein. Computational prediction is inconclusive regarding the impact of this variant on protein structure and function (internally defined REVEL score threshold 0.5 < inconclusive < 0.7, PMID: 27666373). To our knowledge, functional studies have not been reported for this variant. This variant has not been reported in individuals affected with MYL3-related disorders in the literature. This variant has not been identified in the general population by the Genome Aggregation Database (gnomAD). The available evidence is insufficient to determine the role of this variant in disease conclusively. Therefore, this variant is classified as a Variant of Uncertain Significance.

This study involves interpretation of variants in research participants for the purpose of population health screening. Participant phenotype was not available at the time of variant classification. Additional details can be found in publication PMID: 35346344, PMCID: PMC8962531

Color Diagnostics, LLC DBA Color Health
Classification: Uncertain significance for Cardiomyopathy. Last evaluated: 2023-09-06. Review status: criteria provided, single submitter. Criteria: ACMG Guidelines, 2015. Collection method: clinical testing. Allele origin: germline.
Comment: This missense variant replaces lysine with glutamic acid at codon 190 of the MYL3 protein. Computational prediction is inconclusive regarding the impact of this variant on protein structure and function (internally defined REVEL score threshold 0.5 < inconclusive < 0.7, PMID: 27666373). To our knowledge, functional studies have not been reported for this variant. This variant has not been reported in individuals affected with MYL3-related disorders in the literature. This variant has not been identified in the general population by the Genome Aggregation Database (gnomAD). The available evidence is insufficient to determine the role of this variant in disease conclusively. Therefore, this variant is classified as a Variant of Uncertain Significance.

Labcorp Genetics (formerly Invitae), Labcorp
Classification: Uncertain significance for Hypertrophic cardiomyopathy. Last evaluated: 2022-09-26. Review status: criteria provided, single submitter. Criteria: Invitae Variant Classification Sherloc (09022015). Collection method: clinical testing. Allele origin: germline.
Comment: This variant has not been reported in the literature in individuals affected with MYL3-related conditions. ClinVar contains an entry for this variant (Variation ID: 1311228). Algorithms developed to predict the effect of missense changes on protein structure and function are either unavailable or do not agree on the potential impact of this missense change (SIFT: "Tolerated"; PolyPhen-2: "Possibly Damaging"; Align-GVGD: "Class C0"). In summary, the available evidence is currently insufficient to determine the role of this variant in disease. Therefore, it has been classified as a Variant of Uncertain Significance. This variant is not present in population databases (gnomAD no frequency). This sequence change replaces lysine, which is basic and polar, with glutamic acid, which is acidic and polar, at codon 190 of the MYL3 protein (p.Lys190Glu).

GeneDx
Classification: Uncertain significance. Last evaluated: 2019-12-17. Review status: criteria provided, single submitter. Criteria: GeneDx Variant Classification Process June 2021. Collection method: clinical testing. Allele origin: germline. Affected: yes.
Comment: Has not been previously published as pathogenic or benign to our knowledge; Not observed in large population cohorts (Lek et al., 2016); In silico analysis, which includes protein predictors and evolutionary conservation, supports a deleterious effect